The following is an entry in ClinVar:

ClinVar aggregate classification (germline): Uncertain significance. Review status: criteria provided, multiple submitters, no conflicts (2 of 4 stars). 2 submissions from 2 submitters: Uncertain significance (2). Last evaluated 2026-02-05.

Conditions:
Hereditary cancer-predisposing syndrome. Also called: Neoplastic Syndromes, Hereditary; Hereditary neoplastic syndrome; Tumor predisposition; Hereditary Cancer Syndrome. Identifiers: Orphanet 140162, MedGen C0027672, MeSH D009386, MONDO:0015356.

Allele frequency attached by ClinVar (database versions not stated): gnomAD exomes below 0.00001 and 0.00001; ExAC 0.00002.
gnomAD v4.1: 1 of 1,605,500 alleles (0.000062%); highest among the groups gnomAD compares: South Asian, 0.0011%; no homozygotes.

Submissions (2):

Ambry Genetics
Classification: Uncertain significance for Hereditary cancer-predisposing syndrome. Last evaluated: 2026-02-05. Review status: criteria provided, single submitter. Criteria: Ambry Variant Classification Scheme 2023. Collection method: clinical testing. Allele origin: germline.
Comment: The p.K252T variant (also known as c.755A>C), located in coding exon 5 of the RAD50 gene, results from an A to C substitution at nucleotide position 755. The lysine at codon 252 is replaced by threonine, an amino acid with similar properties. This amino acid position is not well conserved in available vertebrate species. In addition, this alteration is predicted to be tolerated by in silico analysis. Based on the available evidence, the clinical significance of this variant remains unclear.

Labcorp Genetics (formerly Invitae), Labcorp
Classification: Uncertain significance for Hereditary cancer-predisposing syndrome. Last evaluated: 2018-11-29. Review status: criteria provided, single submitter. Criteria: Invitae Variant Classification Sherloc (09022015). Collection method: clinical testing. Allele origin: germline.
Comment: In summary, the available evidence is currently insufficient to determine the role of this variant in disease. Therefore, it has been classified as a Variant of Uncertain Significance. Algorithms developed to predict the effect of sequence changes on RNA splicing suggest that this variant may disrupt the consensus splice site, but this prediction has not been confirmed by published transcriptional studies. Algorithms developed to predict the effect of missense changes on protein structure and function (SIFT, PolyPhen-2, Align-GVGD) all suggest that this variant is likely to be tolerated, but these predictions have not been confirmed by published functional studies and their clinical significance is uncertain. This variant has not been reported in the literature in individuals with RAD50-related disease. This variant is present in population databases (rs763430011, ExAC 0.006%). This sequence change replaces lysine with threonine at codon 252 of the RAD50 protein (p.Lys252Thr). The lysine residue is moderately conserved and there is a moderate physicochemical difference between lysine and threonine.

NM_005732.4(RAD50):c.755A>C (p.Lys252Thr)

Gene: RAD50 (RAD50 double strand break repair protein; plus strand). Cytogenetic location: 5q31.1.
Variant type: single nucleotide variant.
Coding change: c.755A>C on transcript NM_005732.4 (MANE Select); coding-DNA position 755, A replaced by C.
Protein change: p.Lys252Thr; replaces lysine 252 with threonine.
Molecular consequence: missense variant.
Genome position (GRCh38, 1-based): chr5:132,580,065, A>C. VCF-style: chr5-132580065-A-C. GRCh37 (hg19) VCF-style: chr5-131915757-A-C.
Other names: short protein forms K252T.
Identifiers: ClinVar variation 661862 (VCV000661862.15), dbSNP rs763430011, ClinGen allele CA3405023.